The following is an entry in ClinVar:

NM_004444.5(EPHB4):c.673G>A (p.Val225Met)

Gene: EPHB4 (EPH receptor B4; minus strand). Cytogenetic location: 7q22.1.
Variant type: single nucleotide variant.
Coding change: c.673G>A on transcript NM_004444.5 (MANE Select); coding-DNA position 673, G replaced by A.
Protein change: p.Val225Met; replaces valine 225 with methionine.
Molecular consequence: missense variant.
Genome position (GRCh38, 1-based): chr7:100,822,406, C>T on the plus strand (G>A on the coding strand, the complement: EPHB4 is on the minus strand). VCF-style: chr7-100822406-C-T. GRCh37 (hg19) VCF-style: chr7-100420028-C-T.
Other names: short protein forms V225M.
Identifiers: ClinVar variation 4249968 (VCV004249968.1).
Genomic context (GRCh38, chr7:100,822,406, plus strand): 5'-ACTGGCCATCCTCACGGCAGTAGAGGCTGGGGCTGGGGCCAGGGGCGGGGACGGCATCCA[C>T]CACGCAGCTACCGGCCACGGGCACAACCAGCTCCCGAGGCACAGTCTCCGGGAATCGAGT-3'
Protein context (NP_004435.3, residues 215-235): LVVPVAGSCV[Val225Met]DAVPAPGPSP

ClinVar aggregate classification (germline): Uncertain significance (1 of 4 stars; one submission).

Conditions:
Cardiovascular phenotype. Identifiers: MedGen CN230736.

Submission:

Ambry Genetics
Classification: Uncertain significance for Cardiovascular phenotype. Last evaluated: 2025-08-03. Review status: criteria provided, single submitter. Criteria: Ambry Variant Classification Scheme 2023. Collection method: clinical testing. Allele origin: germline.
Comment: The p.V225M variant (also known as c.673G>A), located in coding exon 4 of the EPHB4 gene, results from a G to A substitution at nucleotide position 673. The valine at codon 225 is replaced by methionine, an amino acid with highly similar properties. This amino acid position is conserved. In addition, this alteration is predicted to be tolerated by in silico analysis. Based on the available evidence, the clinical significance of this variant remains unclear.